The following is an entry in ClinVar:

ClinVar aggregate classification (germline): Uncertain significance (1 of 4 stars; one submission).

Submission:

Ambry Genetics
Classification: Uncertain significance. Last evaluated: 2022-10-12. Review status: criteria provided, single submitter. Criteria: Ambry Variant Classification Scheme 2023. Collection method: clinical testing. Allele origin: germline.
Comment: The p.S850C variant (also known as c.2549C>G), located in coding exon 4 of the ALPK2 gene, results from a C to G substitution at nucleotide position 2549. The serine at codon 850 is replaced by cysteine, an amino acid with dissimilar properties. This amino acid position is conserved. In addition, this alteration is predicted to be tolerated by in silico analysis. Since supporting evidence is limited at this time, the clinical significance of this alteration remains unclear.

NM_052947.4(ALPK2):c.2549C>G (p.Ser850Cys)

Gene: ALPK2 (alpha kinase 2; minus strand). Cytogenetic location: 18q21.31.
Variant type: single nucleotide variant.
Coding change: c.2549C>G on transcript NM_052947.4 (MANE Select); coding-DNA position 2549, C replaced by G.
Protein change: p.Ser850Cys; replaces serine 850 with cysteine.
Molecular consequence: missense variant.
Genome position (GRCh38, 1-based): chr18:58,537,638, G>C on the plus strand (C>G on the coding strand, the complement: ALPK2 is on the minus strand). VCF-style: chr18-58537638-G-C. GRCh37 (hg19) VCF-style: chr18-56204870-G-C.
Other names: short protein forms S850C.
Identifiers: ClinVar variation 1792913 (VCV001792913.2), dbSNP rs887742243, ClinGen allele CA402570291.